The following is an entry in ClinVar:

NM_001001433.3(STX16):c.873+1_873+2dup

Genes: STX16 (syntaxin 16; plus strand), STX16-NPEPL1 (STX16-NPEPL1 readthrough (NMD candidate); plus strand). Cytogenetic location: 20q13.32.
Variant type: Duplication.
Coding change: c.873+1_873+2dup on transcript NM_001001433.3 (MANE Select); the canonical splice donor site of the intron after coding-DNA position 873, 2 bases duplicated (GT; older notation c.873+1_873+2dupGT).
Molecular consequence: splice donor variant.
Genome position (GRCh38, 1-based): chr20:58,673,712-58,673,713, GT duplicated. VCF-style (leftmost placement, unchanged base first): chr20-58673711-G-GGT. GRCh37 (hg19) VCF-style: chr20-57248767-G-GGT.
Other names: c.861+1_861+2dup (NM_001134772.3); c.822+1_822+2dup (NM_001134773.3); c.810+1_810+2dup (NM_003763.6); c.714+1_714+2dup (NM_001204868.2).
Identifiers: ClinVar variation 2443386 (VCV002443386.1), dbSNP rs2516036572, ClinGen allele CA2580098343.

ClinVar aggregate classification (germline): Uncertain significance (1 of 4 stars; one submission).

Submission:

GeneDx
Classification: Uncertain significance. Last evaluated: 2022-09-12. Review status: criteria provided, single submitter. Criteria: GeneDx Variant Classification Process June 2021. Collection method: clinical testing. Allele origin: germline. Affected: yes.
Comment: Not observed at significant frequency in large population cohorts (gnomAD); In silico analysis supports a deleterious effect on splicing; Has not been previously published as pathogenic or benign to our knowledge